The following is an entry in ClinVar:

NM_006206.6(PDGFRA):c.1859C>G (p.Pro620Arg)

Gene: PDGFRA (platelet derived growth factor receptor alpha; plus strand). Cytogenetic location: 4q12.
Variant type: single nucleotide variant.
Coding change: c.1859C>G on transcript NM_006206.6 (MANE Select); coding-DNA position 1859, C replaced by G.
Protein change: p.Pro620Arg; replaces proline 620 with arginine.
Molecular consequence: missense variant.
Genome position (GRCh38, 1-based): chr4:54,277,460, C>G. VCF-style: chr4-54277460-C-G. GRCh37 (hg19) VCF-style: chr4-55143627-C-G.
Other names: c.1859C>G, p.Pro620Arg (NM_001347827.2, NM_001347829.2); c.1934C>G, p.Pro645Arg (NM_001347828.2); c.1898C>G, p.Pro633Arg (NM_001347830.2); short protein forms P645R, P620R, P633R.
Identifiers: ClinVar variation 2568080 (VCV002568080.2), dbSNP rs2475507929, ClinGen allele CA356893477.

ClinVar aggregate classification (germline): Uncertain significance (1 of 4 stars; one submission).

Conditions:
Hereditary cancer-predisposing syndrome. Also called: Hereditary neoplastic syndrome; Hereditary Cancer Syndrome; Neoplastic Syndromes, Hereditary; Tumor predisposition. Identifiers: Orphanet 140162, MedGen C0027672, MeSH D009386, MONDO:0015356.

Submission:

Ambry Genetics
Classification: Uncertain significance for Hereditary cancer-predisposing syndrome. Last evaluated: 2023-04-09. Review status: criteria provided, single submitter. Criteria: Ambry Variant Classification Scheme 2023. Collection method: clinical testing. Allele origin: germline.
Comment: The p.P620R variant (also known as c.1859C>G), located in coding exon 12 of the PDGFRA gene, results from a C to G substitution at nucleotide position 1859. The proline at codon 620 is replaced by arginine, an amino acid with dissimilar properties. This amino acid position is conserved. In addition, this alteration is predicted to be deleterious by in silico analysis. Since supporting evidence is limited at this time, the clinical significance of this alteration remains unclear.